The following is an entry in ClinVar:

ClinVar aggregate classification (germline): Conflicting classifications of pathogenicity. Review status: criteria provided, conflicting classifications (1 of 4 stars). 2 submissions from 2 submitters: Uncertain significance (1); Likely benign (1). Last evaluated 2023-10-03.

Conditions:
Christianson syndrome (MRXSCH). Also called: X-linked mental retardation, syndromic, Christianson type; INTELLECTUAL DEVELOPMENTAL DISORDER, X-LINKED, SYNDROMIC, CHRISTIANSON TYPE; SLC9A6-Related Syndromic Mental Retardation. Identifiers: Orphanet 85278, MedGen C2678194, MONDO:0010278, OMIM 300243.

Allele frequency attached by ClinVar (database versions not stated): ExAC 0.00001; gnomAD exomes 0.00001 and 0.00002; gnomAD 0.00007 and 0.00008; ESP Exome Variant Server 0.00009; TOPMed 0.00011.
gnomAD v4.1: 21 of 1,126,881 alleles (0.0019%); highest among the groups gnomAD compares: African/African-American, 0.029%; no homozygotes.

Submissions (2):

Labcorp Genetics (formerly Invitae), Labcorp
Classification: Uncertain significance for Christianson syndrome. Last evaluated: 2023-10-03. Review status: criteria provided, single submitter. Criteria: Invitae Variant Classification Sherloc (09022015). Collection method: clinical testing. Allele origin: germline.
Comment: This sequence change falls in intron 4 of the SLC9A6 gene. It does not directly change the encoded amino acid sequence of the SLC9A6 protein. It affects a nucleotide within the consensus splice site. The frequency data for this variant in the population databases is considered unreliable, as metrics indicate poor data quality at this position in the gnomAD database. This variant has been observed in individual(s) with clinical features of SLC9A6-related conditions (PMID: 34797406). ClinVar contains an entry for this variant (Variation ID: 805479). Variants that disrupt the consensus splice site are a relatively common cause of aberrant splicing (PMID: 17576681, 9536098). Algorithms developed to predict the effect of sequence changes on RNA splicing suggest that this variant is not likely to affect RNA splicing. In summary, the available evidence is currently insufficient to determine the role of this variant in disease. Therefore, it has been classified as a Variant of Uncertain Significance.

Athena Diagnostics
Classification: Likely benign. Last evaluated: 2019-04-29. Review status: criteria provided, single submitter. Criteria: Athena Diagnostics Criteria. Collection method: clinical testing. Allele origin: germline.

Literature cited by the submitters: PubMed 34797406 (cited by Labcorp Genetics (formerly Invitae), Labcorp); PubMed 17576681 (cited by Labcorp Genetics (formerly Invitae), Labcorp); PubMed 9536098 (cited by Labcorp Genetics (formerly Invitae), Labcorp).

NM_001379110.1(SLC9A6):c.524+3A>G

Gene: SLC9A6 (solute carrier family 9 member A6; plus strand). Cytogenetic location: Xq26.3.
Variant type: single nucleotide variant.
Coding change: c.524+3A>G on transcript NM_001379110.1 (MANE Select); 3 bases into the intron after coding-DNA position 524, A replaced by G.
Molecular consequence: intron variant.
Genome position (GRCh38, 1-based): chrX:135,998,561, A>G. VCF-style: chrX-135998561-A-G. GRCh37 (hg19) VCF-style: chrX-135080720-A-G.
Other names: c.680+3A>G (NM_001042537.2); c.584+3A>G (NM_006359.3); c.524+3A>G (NM_001177651.2); c.428+3A>G (NM_001330652.2).
Identifiers: ClinVar variation 805479 (VCV000805479.9), dbSNP rs372679456, ClinGen allele CA10524684.